The following is an entry in ClinVar:

NM_000557.5(GDF5):c.889T>C (p.Trp297Arg)

Genes: GDF5 (growth differentiation factor 5; minus strand), GDF5-AS1 (GDF5 antisense RNA 1; plus strand). Cytogenetic location: 20q11.22.
Variant type: single nucleotide variant.
Coding change: c.889T>C on transcript NM_000557.5 (MANE Select); coding-DNA position 889, T replaced by C.
Protein change: p.Trp297Arg; replaces tryptophan 297 with arginine.
Molecular consequence: missense variant. On other transcripts: non-coding transcript variant (1).
Genome position (GRCh38, 1-based): chr20:35,434,526, A>G on the plus strand (T>C on the coding strand, the complement: GDF5 is on the minus strand). VCF-style: chr20-35434526-A-G. GRCh37 (hg19) VCF-style: chr20-34022324-A-G.
Other names: c.889T>C, p.Trp297Arg (NM_001319138.2); short protein forms W297R.
Identifiers: ClinVar variation 2982993 (VCV002982993.2), dbSNP rs1011038250, ClinGen allele CA314131470.

ClinVar aggregate classification (germline): Uncertain significance. Review status: criteria provided, multiple submitters, no conflicts (2 of 4 stars). 2 submissions from 2 submitters: Uncertain significance (2). Last evaluated 2026-09-01.

Allele frequency attached by ClinVar (database versions not stated): gnomAD 0.00001; TOPMed 0.00001; gnomAD exomes 0.00003.
gnomAD v4.1: 41 of 1,603,762 alleles (0.0026%); highest among the groups gnomAD compares: Non-Finnish European, 0.0034%; no homozygotes.

Submissions (2):

CeGaT Center for Human Genetics Tuebingen
Classification: Uncertain significance. Last evaluated: 2026-09-01. Review status: criteria provided, single submitter. Criteria: CeGaT Center For Human Genetics Tuebingen Variant Classification Criteria Version 2. Collection method: clinical testing. Allele origin: germline. Affected: yes. Observed: 1 variant allele.
Comment: GDF5: PM2

Labcorp Genetics (formerly Invitae), Labcorp
Classification: Uncertain significance. Last evaluated: 2024-01-14. Review status: criteria provided, single submitter. Criteria: Invitae Variant Classification Sherloc (09022015). Collection method: clinical testing. Allele origin: germline.
Comment: This sequence change replaces tryptophan, which is neutral and slightly polar, with arginine, which is basic and polar, at codon 297 of the GDF5 protein (p.Trp297Arg). This variant is present in population databases (no rsID available, gnomAD 0.002%). This variant has not been reported in the literature in individuals affected with GDF5-related conditions. Advanced modeling of protein sequence and biophysical properties (such as structural, functional, and spatial information, amino acid conservation, physicochemical variation, residue mobility, and thermodynamic stability) performed at Invitae indicates that this missense variant is not expected to disrupt GDF5 protein function with a negative predictive value of 80%. In summary, the available evidence is currently insufficient to determine the role of this variant in disease. Therefore, it has been classified as a Variant of Uncertain Significance.